The following is an entry in ClinVar:

NM_001347721.2(DYRK1A):c.998T>C (p.Ile333Thr)

Gene: DYRK1A (dual specificity tyrosine phosphorylation regulated kinase 1A; plus strand). Cytogenetic location: 21q22.13.
Variant type: single nucleotide variant.
Coding change: c.998T>C on transcript NM_001347721.2 (MANE Select); coding-DNA position 998, T replaced by C.
Protein change: p.Ile333Thr; replaces isoleucine 333 with threonine.
Molecular consequence: missense variant.
Genome position (GRCh38, 1-based): chr21:37,493,090, T>C. VCF-style: chr21-37493090-T-C. GRCh37 (hg19) VCF-style: chr21-38865392-T-C.
Other names: c.998T>C, p.Ile333Thr (NM_001347722.2, NM_130436.2); c.911T>C, p.Ile304Thr (NM_001347723.2); c.1025T>C, p.Ile342Thr (NM_001396.5, NM_101395.2, NM_130438.2); short protein forms I304T, I333T, I342T.
Identifiers: ClinVar variation 5017961 (VCV005017961.1).

ClinVar aggregate classification (germline): Uncertain significance (1 of 4 stars; one submission).

Submission:

GeneDx
Classification: Uncertain significance. Last evaluated: 2026-03-30. Review status: criteria provided, single submitter. Criteria: GeneDx Variant Classification Process June 2021. Collection method: clinical testing. Allele origin: germline.
Comment: Not observed at significant frequency in large population cohorts (gnomAD); In silico analysis supports that this missense variant has a deleterious effect on protein structure/function; Has not been previously published as pathogenic or benign to our knowledge